The following is an entry in ClinVar:

ClinVar aggregate classification (germline): Benign (1 of 4 stars; one submission).

Conditions:
Landau-Kleffner syndrome (FESD). Also called: EPILEPSY, FOCAL, WITH SPEECH DISORDER AND WITH OR WITHOUT MENTAL RETARDATION; APHASIA, ACQUIRED, WITH EPILEPSY. Identifiers: Orphanet 1945, Orphanet 725, Orphanet 98818, MedGen C0282512, MONDO:0009509, OMIM 245570.

Allele frequency attached by ClinVar (database versions not stated): TOPMed 0.00061; 1000 Genomes Project 30x 0.00172; gnomAD 0.00588; gnomAD exomes 0.00094; 1000 Genomes Project 0.00200.
gnomAD v4.1: 557 of 202,582 alleles (0.27%); highest among the groups gnomAD compares: South Asian, 0.77%; 4 homozygotes.

Submission:

Illumina Laboratory Services, Illumina
Classification: Benign for Landau-Kleffner syndrome. Last evaluated: 2018-01-13. Review status: criteria provided, single submitter. Criteria: ICSL Variant Classification Criteria 13 December 2019. Collection method: clinical testing. Allele origin: germline.
Comment: This variant was observed in the ICSL laboratory as part of a predisposition screen in an ostensibly healthy population. It had not been previously curated by ICSL or reported in the Human Gene Mutation Database (HGMD: prior to June 1st, 2018), and was therefore a candidate for classification through an automated scoring system. Utilizing variant allele frequency, disease prevalence and penetrance estimates, and inheritance mode, an automated score was calculated to assess if this variant is too frequent to cause the disease. Based on the score and internal cut-off values, a variant classified as benign is not then subjected to further curation. The score for this variant resulted in a classification of benign for this disease.

NM_001134407.3(GRIN2A):c.*7349C>T

Gene: GRIN2A (glutamate ionotropic receptor NMDA type subunit 2A; minus strand). Cytogenetic location: 16p13.2.
Variant type: single nucleotide variant.
Coding change: c.*7349C>T on transcript NM_001134407.3 (MANE Select); 7349 bases downstream of the stop codon, C replaced by T.
Molecular consequence: 3 prime UTR variant.
Genome position (GRCh38, 1-based): chr16:9,755,800, G>A on the plus strand (C>T on the coding strand, the complement: GRIN2A is on the minus strand). VCF-style: chr16-9755800-G-A. GRCh37 (hg19) VCF-style: chr16-9849657-G-A.
Other names: c.*7349C>T (NM_000833.5); c.*7555C>T (NM_001134408.2).
Identifiers: ClinVar variation 321484 (VCV000321484.5), dbSNP rs191366035, ClinGen allele CA10649384.